The following is an entry in ClinVar:

ClinVar aggregate classification (germline): Pathogenic/Likely pathogenic. Review status: criteria provided, multiple submitters, no conflicts (2 of 4 stars). 3 submissions from 3 submitters: Pathogenic (2); Likely pathogenic (1). Last evaluated 2025-02-28.

Submissions (3):

Centre for Clinical Genetics and Genomic Diagnostics, Zealand University Hospital
Classification: Pathogenic. Last evaluated: 2025-02-28. Review status: criteria provided, single submitter. Criteria: ACMG Guidelines, 2015. Collection method: clinical testing. Allele origin: germline. Affected: yes.
Comment: Confirmed compound heterozygous

Labcorp Genetics (formerly Invitae), Labcorp
Classification: Pathogenic. Last evaluated: 2024-02-27. Review status: criteria provided, single submitter. Criteria: Invitae Variant Classification Sherloc (09022015). Collection method: clinical testing. Allele origin: germline.
Comment: This sequence change creates a premature translational stop signal (p.Tyr1245Leufs*25) in the OTOGL gene. It is expected to result in an absent or disrupted protein product. Loss-of-function variants in OTOGL are known to be pathogenic (PMID: 23122586). The frequency data for this variant in the population databases is considered unreliable, as metrics indicate poor data quality at this position in the gnomAD database. This variant has not been reported in the literature in individuals affected with OTOGL-related conditions. ClinVar contains an entry for this variant (Variation ID: 432597). For these reasons, this variant has been classified as Pathogenic.

GeneDx
Classification: Likely pathogenic. Last evaluated: 2018-12-12. Review status: criteria provided, single submitter. Criteria: GeneDx Variant Classification Process June 2021. Collection method: clinical testing. Allele origin: germline. Affected: yes.
Comment: Frameshift variant predicted to result in protein truncation or nonsense mediated decay in a gene for which loss-of-function is a known mechanism of disease; Has not been previously published as pathogenic or benign to our knowledge

Literature cited by the submitters: PubMed 23122586 (cited by Labcorp Genetics (formerly Invitae), Labcorp).

NM_001378609.3(OTOGL):c.3760dup (p.Tyr1254fs)

Gene: OTOGL (otogelin like; plus strand). Cytogenetic location: 12q21.31.
Variant type: Duplication.
Coding change: c.3760dup on transcript NM_001378609.3 (MANE Select); coding-DNA position 3760, one base duplicated (T; older notation c.3760dupT).
Protein change: p.Tyr1254fs; shifts the reading frame from tyrosine 1254.
Molecular consequence: frameshift variant.
Genome position (GRCh38, 1-based): chr12:80,318,671, T duplicated; the last of 7 consecutive T bases (chr12:80,318,665-80,318,671); duplicating any one gives the same sequence. VCF-style (leftmost placement, unchanged base first): chr12-80318664-A-AT. GRCh37 (hg19) VCF-style: chr12-80712444-A-AT.
Other names: c.3733dupT (NM_173591.3); c.3625dup, p.Tyr1209fs (NM_001368062.3); c.3760dup, p.Tyr1254fs (NM_001378610.3, NM_173591.7); short protein forms Y1245fs, Y1209fs, Y1254fs.
Identifiers: ClinVar variation 432597 (VCV000432597.7), dbSNP rs1064795124, ClinGen allele CA606197365.